The following is an entry in ClinVar:

NM_005633.4(SOS1):c.588A>T (p.Ser196=)

Gene: SOS1 (SOS Ras/Rac guanine nucleotide exchange factor 1; minus strand). Cytogenetic location: 2p22.1.
Variant type: single nucleotide variant.
Coding change: c.588A>T on transcript NM_005633.4 (MANE Select); coding-DNA position 588, A replaced by T.
Protein change: p.Ser196=; no amino-acid change (serine 196 retained).
Molecular consequence: synonymous variant.
Genome position (GRCh38, 1-based): chr2:39,054,746, T>A on the plus strand (A>T on the coding strand, the complement: SOS1 is on the minus strand). VCF-style: chr2-39054746-T-A. GRCh37 (hg19) VCF-style: chr2-39281887-T-A.
Other names: c.567A>T, p.Ser189= (NM_001382394.1); c.588A>T, p.Ser196= (NM_001382395.1).
Identifiers: ClinVar variation 179377 (VCV000179377.6), dbSNP rs727504826, ClinGen allele CA184301.
Genomic context (GRCh38, chr2:39,054,746, plus strand): 5'-TATATATTGTCGAATTTCTGCCATAAATGCTTTTACCAAATCATAGTAAGTTTGTTCTCC[T>A]GAGGTGGAAGGCTCTTCGTCAGTTAAAGATAATATATTAATATCTTCTACATCTTGATGA-3'
Protein context (NP_005624.2, residues 186-206): LSLTDEEPST[Ser196=]GEQTYYDLVK

ClinVar aggregate classification (germline): Likely benign. Review status: criteria provided, multiple submitters, no conflicts (2 of 4 stars). 2 submissions from 2 submitters: Likely benign (2). Last evaluated 2025-09-20.

Conditions:
RASopathy. Also called: rasopathies; Noonan spectrum disorder. Identifiers: Orphanet 536391, MedGen C5555857, MONDO:0021060.

Submissions (2):

Labcorp Genetics (formerly Invitae), Labcorp
Classification: Likely benign for RASopathy. Last evaluated: 2025-09-20. Review status: criteria provided, single submitter. Criteria: Invitae Variant Classification Sherloc (09022015). Collection method: clinical testing. Allele origin: germline.

Laboratory for Molecular Medicine, Mass General Brigham Personalized Medicine
Classification: Likely benign. Last evaluated: 2013-10-17. Review status: criteria provided, single submitter. Criteria: LMM Criteria. Collection method: clinical testing. Allele origin: germline. Observed: 1 variant allele.
Comment: Ser196Ser in exon 5 of SOS1: This variant is not expected to have clinical signi ficance because it does not alter an amino acid residue and it is not located wi thin the splice consensus sequence.